The following is an entry in ClinVar:

NM_000286.3(PEX12):c.127-3T>A

Gene: PEX12 (peroxisomal biogenesis factor 12; minus strand). Cytogenetic location: 17q12.
Variant type: single nucleotide variant.
Coding change: c.127-3T>A on transcript NM_000286.3 (MANE Select); 3 bases into the intron before coding-DNA position 127, T replaced by A.
Molecular consequence: intron variant.
Genome position (GRCh38, 1-based): chr17:35,577,594, A>T on the plus strand (T>A on the coding strand, the complement: PEX12 is on the minus strand). VCF-style: chr17-35577594-A-T. GRCh37 (hg19) VCF-style: chr17-33904613-A-T.
Identifiers: ClinVar variation 1374145 (VCV001374145.6), dbSNP rs2142231281, ClinGen allele CA2573153726.

ClinVar aggregate classification (germline): Uncertain significance (1 of 4 stars; one submission).

Conditions:
Peroxisome biogenesis disorder 3A (Zellweger). Also called: PEROXISOMAL BIOGENESIS DISORDER 3A (ZELLWEGER); Peroxisome biogenesis disorder 3A. Identifiers: Orphanet 912, MedGen C3553929, MONDO:0013927, OMIM 614859.

Submission:

Labcorp Genetics (formerly Invitae), Labcorp
Classification: Uncertain significance for Peroxisome biogenesis disorder 3A (Zellweger). Last evaluated: 2022-02-04. Review status: criteria provided, single submitter. Criteria: Invitae Variant Classification Sherloc (09022015). Collection method: clinical testing. Allele origin: germline.
Comment: This sequence change falls in intron 1 of the PEX12 gene. It does not directly change the encoded amino acid sequence of the PEX12 protein. It affects a nucleotide within the consensus splice site. This variant is not present in population databases (gnomAD no frequency). This variant has not been reported in the literature in individuals affected with PEX12-related conditions. Variants that disrupt the consensus splice site are a relatively common cause of aberrant splicing (PMID: 17576681, 9536098). Algorithms developed to predict the effect of sequence changes on RNA splicing suggest that this variant may disrupt the consensus splice site. In summary, the available evidence is currently insufficient to determine the role of this variant in disease. Therefore, it has been classified as a Variant of Uncertain Significance.

Literature cited by the submitters: PubMed 17576681; PubMed 9536098.